The following is an entry in ClinVar:

NM_020320.5(RARS2):c.1253A>G (p.Lys418Arg)

Gene: RARS2 (arginyl-tRNA synthetase 2, mitochondrial; minus strand). Cytogenetic location: 6q15.
Variant type: single nucleotide variant.
Coding change: c.1253A>G on transcript NM_020320.5 (MANE Select); coding-DNA position 1253, A replaced by G.
Protein change: p.Lys418Arg; replaces lysine 418 with arginine.
Molecular consequence: missense variant. On other transcripts: non-coding transcript variant (23).
Genome position (GRCh38, 1-based): chr6:87,518,876, T>C on the plus strand (A>G on the coding strand, the complement: RARS2 is on the minus strand). VCF-style: chr6-87518876-T-C. GRCh37 (hg19) VCF-style: chr6-88228594-T-C.
Other names: c.728A>G, p.Lys243Arg (NM_001318785.2, NM_001350506.2, NM_001350507.2 and 4 more transcripts); c.1253A>G, p.Lys418Arg (NM_001350505.2); short protein forms K243R, K418R.
Identifiers: ClinVar variation 1300625 (VCV001300625.32), dbSNP rs771658534, ClinGen allele CA3916346.

ClinVar aggregate classification (germline): Uncertain significance. Review status: criteria provided, multiple submitters, no conflicts (2 of 4 stars). 3 submissions from 3 submitters: Uncertain significance (3). Last evaluated 2024-07-24.

Allele frequency attached by ClinVar (database versions not stated): gnomAD 0.00008; TOPMed 0.00008; gnomAD exomes 0.00010 and 0.00013; ExAC 0.00016.
gnomAD v4.1: 212 of 1,614,002 alleles (0.013%); highest among the groups gnomAD compares: Non-Finnish European, 0.016%; no homozygotes.

Submissions (3):

Blueprint Genetics
Classification: Uncertain significance. Last evaluated: 2024-07-24. Review status: criteria provided, single submitter. Criteria: ACMG Guidelines, 2015. Collection method: clinical testing. Allele origin: germline.

CeGaT Center for Human Genetics Tuebingen
Classification: Uncertain significance. Last evaluated: 2022-10-01. Review status: criteria provided, single submitter. Criteria: CeGaT Center For Human Genetics Tuebingen Variant Classification Criteria Version 2. Collection method: clinical testing. Allele origin: germline. Affected: yes. Observed: 1 variant allele.
Comment: RARS2: PM2:Supporting, BP4

GeneDx
Classification: Uncertain significance. Last evaluated: 2021-10-19. Review status: criteria provided, single submitter. Criteria: GeneDx Variant Classification Process June 2021. Collection method: clinical testing. Allele origin: germline. Affected: yes.
Comment: Has not been previously published as pathogenic or benign to our knowledge; In silico analysis supports that this missense variant does not alter protein structure/function